The following is an entry in ClinVar:

NM_022114.4(PRDM16):c.2434del (p.Arg812fs)

Gene: PRDM16 (PR/SET domain 16; plus strand). Cytogenetic location: 1p36.32.
Variant type: Deletion.
Coding change: c.2434del on transcript NM_022114.4 (MANE Select); coding-DNA position 2434, one base deleted (C; older notation c.2434delC).
Protein change: p.Arg812fs; shifts the reading frame from arginine 812.
Molecular consequence: frameshift variant.
Genome position (GRCh38, 1-based): chr1:3,412,631, C deleted; the last of 3 consecutive C bases (chr1:3,412,629-3,412,631); deleting any one gives the same sequence. VCF-style (leftmost placement, unchanged base first): chr1-3412628-GC-G. GRCh37 (hg19) VCF-style: chr1-3329192-GC-G.
Other names: c.2434del, p.Arg812fs (NM_199454.3); short protein forms R812fs.
Identifiers: ClinVar variation 1710027 (VCV001710027.2), dbSNP rs2523887339, ClinGen allele CA2580062514.

ClinVar aggregate classification (germline): Likely pathogenic (1 of 4 stars; one submission).

Conditions:
Left ventricular noncompaction 8 (LVNC8). Identifiers: Orphanet 154, Orphanet 54260, MedGen C3809288, MONDO:0014152, OMIM 615373.

Submission:

MGZ Medical Genetics Center
Classification: Likely pathogenic for Left ventricular noncompaction 8. Last evaluated: 2021-10-13. Review status: criteria provided, single submitter. Criteria: ACMG Guidelines, 2015. Collection method: clinical testing. Allele origin: germline. Affected: yes. Observed: 1 variant allele.
Comment: ACMG criteria applied: PM2_SUP_STR, PVS1_MOD